The following is an entry in ClinVar:

NM_001369.3(DNAH5):c.12211_12214delinsTGTCTCTTATACAC (p.Arg4071fs)

Gene: DNAH5 (dynein axonemal heavy chain 5; minus strand). Cytogenetic location: 5p15.2.
Variant type: Indel.
Coding change: c.12211_12214delinsTGTCTCTTATACAC on transcript NM_001369.3 (MANE Select); coding-DNA positions 12211 to 12214, CGTT replaced by TGTCTCTTATACAC.
Protein change: p.Arg4071fs; shifts the reading frame from arginine 4071.
Molecular consequence: frameshift variant.
Genome position (GRCh38, 1-based): chr5:13,721,065-13,721,068, AACG replaced by GTGTATAAGAGACA on the plus strand (CGTT replaced by TGTCTCTTATACAC on the coding strand, the reverse complement: DNAH5 is on the minus strand). VCF-style: chr5-13721065-AACG-GTGTATAAGAGACA. GRCh37 (hg19) VCF-style: chr5-13721174-AACG-GTGTATAAGAGACA.
Other names: short protein forms R4071fs.
Identifiers: ClinVar variation 5010991 (VCV005010991.1).

ClinVar aggregate classification (germline): Pathogenic (1 of 4 stars; one submission).

Conditions:
Primary ciliary dyskinesia 3. Identifiers: Orphanet 244, MedGen C1837618, MONDO:0012085, OMIM 608644.

Submission:

Myriad Genetics, Inc.
Classification: Pathogenic for Primary ciliary dyskinesia 3. Last evaluated: 2024-05-14. Review status: criteria provided, single submitter. Criteria: Myriad Autosomal Dominant, Autosomal Recessive and X-Linked Classification Criteria (2023). Collection method: clinical testing. Allele origin: unknown.
Comment: NM_001369.2(DNAH5):c.12211_12214del4ins14(R4071Cfs*40) is expected to be pathogenic in the context of primary ciliary dyskinesia, DNAH5-related. This variant is predicted to lead to an abnormal or absent protein product due to the creation of a premature termination codon in DNAH5, a gene where loss-of-function variants are known to be pathogenic. Please note: this variant was assessed in the context of healthy population screening.